The following is an entry in ClinVar:

NM_020458.4(TTC7A):c.1001+5G>C

Gene: TTC7A (tetratricopeptide repeat domain 7A; plus strand). Cytogenetic location: 2p21.
Variant type: single nucleotide variant.
Coding change: c.1001+5G>C on transcript NM_020458.4 (MANE Select); 5 bases into the intron after coding-DNA position 1001, G replaced by C.
Molecular consequence: intron variant.
Genome position (GRCh38, 1-based): chr2:46,994,519, G>C. VCF-style: chr2-46994519-G-C. GRCh37 (hg19) VCF-style: chr2-47221658-G-C.
Other names: c.899+5G>C (NM_001288953.2); c.1001+5G>C (NM_001288951.2); c.-61-617G>C (NM_001288955.2).
Identifiers: ClinVar variation 1506033 (VCV001506033.6), dbSNP rs1359277811, ClinGen allele CA2573134829.

ClinVar aggregate classification (germline): Uncertain significance (1 of 4 stars; one submission).

Conditions:
Multiple gastrointestinal atresias. Also called: FAMILIAL INTESTINAL POLYATRESIA SYNDROME; Multiple intestinal atresia. Identifiers: Orphanet 2300, MedGen C0220744, MONDO:0009465.

Submission:

Labcorp Genetics (formerly Invitae), Labcorp
Classification: Uncertain significance for Multiple gastrointestinal atresias. Last evaluated: 2022-10-25. Review status: criteria provided, single submitter. Criteria: Invitae Variant Classification Sherloc (09022015). Collection method: clinical testing. Allele origin: germline.
Comment: This sequence change falls in intron 7 of the TTC7A gene. It does not directly change the encoded amino acid sequence of the TTC7A protein. It affects a nucleotide within the consensus splice site. This variant is not present in population databases (gnomAD no frequency). This variant has not been reported in the literature in individuals affected with TTC7A-related conditions. ClinVar contains an entry for this variant (Variation ID: 1506033). Variants that disrupt the consensus splice site are a relatively common cause of aberrant splicing (PMID: 17576681, 9536098). Algorithms developed to predict the effect of sequence changes on RNA splicing suggest that this variant may disrupt the consensus splice site. In summary, the available evidence is currently insufficient to determine the role of this variant in disease. Therefore, it has been classified as a Variant of Uncertain Significance.

Literature cited by the submitters: PubMed 17576681; PubMed 9536098.